The following is an entry in ClinVar:

NM_005751.5(AKAP9):c.8431G>A (p.Glu2811Lys)

Gene: AKAP9 (A-kinase anchoring protein 9; plus strand). Cytogenetic location: 7q21.2.
Variant type: single nucleotide variant.
Coding change: c.8431G>A on transcript NM_005751.5 (MANE Select); coding-DNA position 8431, G replaced by A.
Protein change: p.Glu2811Lys; replaces glutamic acid 2811 with lysine.
Molecular consequence: missense variant.
Genome position (GRCh38, 1-based): chr7:92,083,440, G>A. VCF-style: chr7-92083440-G-A. GRCh37 (hg19) VCF-style: chr7-91712754-G-A.
Other names: c.3076G>A, p.Glu1026Lys (NM_001379277.1); c.8407G>A, p.Glu2803Lys (NM_147185.3); short protein forms E1026K, E2811K, E2803K.
Identifiers: ClinVar variation 1401457 (VCV001401457.8), dbSNP rs868546210, ClinGen allele CA161887285.

ClinVar aggregate classification (germline): Uncertain significance. Review status: criteria provided, multiple submitters, no conflicts (2 of 4 stars). 2 submissions from 2 submitters: Uncertain significance (2). Last evaluated 2023-10-01.

Conditions:
Cardiovascular phenotype. Identifiers: MedGen CN230736.
Long QT syndrome (LQTS). Identifiers: MedGen C0023976, MeSH D008133, MONDO:0002442. Disease mechanism: loss of function. Inheritance: Various modes of inheritance.

Allele frequency attached by ClinVar (database versions not stated): gnomAD exomes 0.00001.
gnomAD v4.1: 4 of 1,613,998 alleles (0.00025%); highest among the groups gnomAD compares: African/African-American, 0.0027%; no homozygotes.

Submissions (2):

Ambry Genetics
Classification: Uncertain significance for Cardiovascular phenotype. Last evaluated: 2023-10-01. Review status: criteria provided, single submitter. Criteria: Ambry Variant Classification Scheme 2023. Collection method: clinical testing. Allele origin: germline.
Comment: The p.E2811K variant (also known as c.8431G>A), located in coding exon 33 of the AKAP9 gene, results from a G to A substitution at nucleotide position 8431. The glutamic acid at codon 2811 is replaced by lysine, an amino acid with similar properties. This amino acid position is not well conserved in available vertebrate species, and lysine is the reference amino acid in other vertebrate species. In addition, this alteration is predicted to be tolerated by in silico analysis. Since supporting evidence is limited at this time, the clinical significance of this alteration remains unclear.

Labcorp Genetics (formerly Invitae), Labcorp
Classification: Uncertain significance for Long QT syndrome. Last evaluated: 2021-09-06. Review status: criteria provided, single submitter. Criteria: Invitae Variant Classification Sherloc (09022015). Collection method: clinical testing. Allele origin: germline.
Comment: This sequence change replaces glutamic acid with lysine at codon 2811 of the AKAP9 protein (p.Glu2811Lys). The glutamic acid residue is moderately conserved and there is a small physicochemical difference between glutamic acid and lysine. This variant is not present in population databases (ExAC no frequency). This variant has not been reported in the literature in individuals affected with AKAP9-related conditions. Algorithms developed to predict the effect of missense changes on protein structure and function are either unavailable or do not agree on the potential impact of this missense change (SIFT: "Deleterious"; PolyPhen-2: "Benign"; Align-GVGD: "Class C0"). In summary, the available evidence is currently insufficient to determine the role of this variant in disease. Therefore, it has been classified as a Variant of Uncertain Significance.